The following is an entry in ClinVar:

NM_000535.7(PMS2):c.903G>A (p.Lys301=)

Gene: PMS2 (PMS1 homolog 2, mismatch repair system component; minus strand). Cytogenetic location: 7p22.1.
Variant type: single nucleotide variant.
Coding change: c.903G>A on transcript NM_000535.7 (MANE Select); coding-DNA position 903, G replaced by A.
Protein change: p.Lys301=; no amino-acid change (lysine 301 retained).
Molecular consequence: synonymous variant. On other transcripts: 5 prime UTR variant (2), non-coding transcript variant (1).
Genome position (GRCh38, 1-based): chr7:5,995,534, C>T on the plus strand (G>A on the coding strand, the complement: PMS2 is on the minus strand). VCF-style: chr7-5995534-C-T. GRCh37 (hg19) VCF-style: chr7-6035165-C-T.
Other names: c.498G>A, p.Lys166= (NM_001322003.2, NM_001322004.2, NM_001322005.2 and 2 more transcripts); c.903G>A, p.Lys301= (NM_001322006.2, NM_001322014.2); c.585G>A, p.Lys195= (NM_001322007.2, NM_001322008.2); c.-31G>A (NM_001322011.2, NM_001322012.2); c.330G>A, p.Lys110= (NM_001322013.2); c.594G>A, p.Lys198= (NM_001322015.2).
Identifiers: ClinVar variation 237932 (VCV000237932.26), dbSNP rs267608153, ClinGen allele CA052331.

ClinVar aggregate classification (germline): Pathogenic/Likely pathogenic. Review status: criteria provided, multiple submitters, no conflicts (2 of 4 stars). 7 submissions from 7 submitters: Pathogenic (2); Likely pathogenic (5). Last evaluated 2025-12-12.

Conditions:
Hereditary nonpolyposis colon cancer (HNPCC). Also called: Hereditary nonpolyposis colorectal cancer; Familial nonpolyposis colon cancer; Hereditary Nonpolyposis Colorectal Cancer Syndrome. Identifiers: Orphanet 443909, MedGen C1333990, MONDO:0018630. Disease mechanism: loss of function.
Hereditary nonpolyposis colorectal neoplasms. Identifiers: MedGen C0009405, MeSH D003123.
Hereditary cancer-predisposing syndrome. Also called: Neoplastic Syndromes, Hereditary; Hereditary neoplastic syndrome; Tumor predisposition; Hereditary Cancer Syndrome. Identifiers: Orphanet 140162, MedGen C0027672, MeSH D009386, MONDO:0015356.
Lynch syndrome. Identifiers: Orphanet 144, MedGen C4552100, MONDO:0005835. Disease mechanism: loss of function.
Lynch syndrome 4 (LYNCH4). Also called: Hereditary non-polyposis colorectal cancer, type 4; Colorectal cancer, hereditary nonpolyposis, type 4. Identifiers: Orphanet 144, MedGen C1838333, MONDO:0013699, OMIM 614337. Disease mechanism: loss of function.

Allele frequency attached by ClinVar (database versions not stated): gnomAD exomes below 0.00001; TOPMed 0.00001.
gnomAD v4.1: 5 of 1,609,560 alleles (0.00031%); highest among the groups gnomAD compares: Non-Finnish European, 0.00043%; no homozygotes.

Submissions (7):

Labcorp Genetics (formerly Invitae), Labcorp
Classification: Likely pathogenic for Hereditary nonpolyposis colorectal neoplasms. Last evaluated: 2025-12-12. Review status: criteria provided, single submitter. Criteria: Invitae Variant Classification Sherloc (09022015). Collection method: clinical testing. Allele origin: germline.
Comment: This sequence change affects codon 301 of the PMS2 mRNA. It is a 'silent' change, meaning that it does not change the encoded amino acid sequence of the PMS2 protein. RNA analysis indicates that this variant induces altered splicing and may result in an absent or altered protein product. This variant is present in population databases (rs267608153, gnomAD 0.002%). This variant has been observed in individual(s) with Lynch-related cancers (PMID: 29750335; internal data). ClinVar contains an entry for this variant (Variation ID: 237932). Variants that disrupt the consensus splice site are a relatively common cause of aberrant splicing (PMID: 17576681, 9536098). Studies have shown that this variant results in skipping of exon 8, and produces a non-functional protein and/or introduces a premature termination codon (internal data). This variant disrupts the c.903G nucleotide in the PMS2 gene. Other variant(s) that disrupt this nucleotide have been determined to be pathogenic (PMID: 18602922, 26110232). This suggests that this nucleotide is clinically significant, and that variants that disrupt this position are likely to be disease-causing. In summary, the currently available evidence indicates that the variant is pathogenic, but additional data are needed to prove that conclusively. Therefore, this variant has been classified as Likely Pathogenic.

GeneDx
Classification: Likely pathogenic. Last evaluated: 2025-08-04. Review status: criteria provided, single submitter. Criteria: GeneDx Variant Classification Process June 2021. Collection method: clinical testing. Allele origin: germline. Affected: yes.
Comment: Alters the last nucleotide of the exon and is predicted to destroy the splice donor site and result in aberrant splicing, although in the absence of functional evidence the actual effect of this sequence change is unknown; Not observed at significant frequency in large population cohorts (gnomAD); Observed in individuals with a personal history of prostate cancer in published literature (PMID: 32832836); This variant is associated with the following publications: (PMID: 31447099, 29922827, 32832836)

Ambry Genetics
Classification: Pathogenic for Hereditary cancer-predisposing syndrome. Last evaluated: 2025-02-28. Review status: criteria provided, single submitter. Criteria: Ambry Variant Classification Scheme 2023. Collection method: clinical testing. Allele origin: germline.
Comment: The c.903G>A pathogenic mutation (also known as p.K301K), located in coding exon 8 of the PMS2 gene, results from a G to A substitution at nucleotide position 903. This nucleotide substitution does not change the amino acid at codon 301. However, this change occurs in the last base pair of coding exon 8, which makes it likely to have some effect on normal mRNA splicing. In silico splice site analysis predicts that this alteration will weaken the native splice donor site. RNA studies have demonstrated that this alteration results in abnormal splicing in the set of samples tested (Ambry internal data). This variant has been identified in a proband(s) whose Lynch syndrome-associated tumor demonstrated high microsatellite instability and/or loss of PMS2 expression by immunohistochemistry (IHC) (Ambry internal data). Another alteration impacting the same donor site (c.903G>T) has been shown to have a similar impact on splicing in multiple patients whose Lynch syndrome-associated tumors demonstrated isolated loss of PMS2 on IHC (Senter L et al. Gastroenterology. 2008 August; 135(2):419-28; Tomsic J et al. Clin. Genet. 2013 Mar; 83(3):238-43; van der Klift HM et al. Mol. Genet. Genomic Med 2015 Jul; 3(4):327-45; Ambry internal data). This variant is considered to be rare based on population cohorts in the Genome Aggregation Database (gnomAD). This nucleotide position is highly conserved in available vertebrate species. Based on the supporting evidence, this alteration is interpreted as a disease-causing mutation.

Women's Health and Genetics/Laboratory Corporation of America, LabCorp
Classification: Likely pathogenic for Hereditary nonpolyposis colon cancer. Last evaluated: 2025-01-16. Review status: criteria provided, single submitter. Criteria: LabCorp Variant Classification Summary - May 2015. Collection method: clinical testing. Allele origin: germline.
Comment: Variant summary: PMS2 c.903G>A (p.Lys301Lys) alters a conserved nucleotide located close to a canonical splice site and therefore could affect mRNA splicing, leading to a significantly altered protein sequence. Several computational tools predict a significant impact on normal splicing: four predict the variant abolishes a 5' splicing donor site. RNA analysis indicated that this variant results in skipping of exon 8 and introduces a premature termination codon (LabCorp Genetics (formerly Invitae), internal data). The variant allele was found at a frequency of 1.2e-05 in 251238 control chromosomes (gnomAD). c.903G>A has been reported in the literature in individuals affected with colonic- and extracolonic tumors that belong to the Lynch Syndrome spectrum (e.g. Adar_2018, Matejcic_2020). These data indicate that the variant may be associated with disease. In addition, a different variant affecting the same nucleotide (c.903G>T) is reported in patients (HGMD), and is classified as Likely pathogenic by multiple labs in ClinVar (Variation ID 91377), citing experimental studies for splice-effect. The following publications have been ascertained in the context of this evaluation (PMID: 29750335, 32832836). ClinVar contains an entry for this variant (Variation ID: 237932). Based on the evidence outlined above, the variant was classified as likely pathogenic.

Molecular Pathology, Peter Maccallum Cancer Centre
Classification: Pathogenic for Lynch syndrome 4. Last evaluated: 2024-09-30. Review status: criteria provided, single submitter. Criteria: ACMG Guidelines, 2015. Collection method: clinical testing. Allele origin: germline. Inheritance: Autosomal dominant inheritance.

Myriad Genetics, Inc.
Classification: Likely pathogenic for Lynch syndrome 4. Last evaluated: 2023-09-19. Review status: criteria provided, single submitter. Criteria: Myriad Autosomal Dominant, Autosomal Recessive and X-Linked Classification Criteria (2023). Collection method: clinical testing. Allele origin: unknown.
Comment: This variant is considered likely pathogenic. mRNA analysis has demonstrated abnormal mRNA splicing occurs [Myriad internal data].

Laboratory for Molecular Medicine, Mass General Brigham Personalized Medicine
Classification: Likely pathogenic for Lynch syndrome. Last evaluated: 2022-03-28. Review status: criteria provided, single submitter. Criteria: ACMG Guidelines, 2015. Collection method: clinical testing. Allele origin: germline. Inheritance: Autosomal dominant inheritance.
Comment: The c.903G>T (p.Lys301Lys) variant in PMS2 has been identified in at least 2 individuals with PMS2_associated cancers (Matejcic 2020 PMID: 32832836) and has also been reported by other clinical laboratories in ClinVar (Variation ID 237932). This variant has also been identified in 0.003% (3/113600) of European chromosomes by gnomAD. Although this silent variant does not alter an amino acid residue, it is located in the last base of the exon, which is part of the 5’ splice region. Computational tools suggest an impact to splicing. A different variant at the same nucleotide position (c.903G>T, p.Lys301Asn) has been reported in individuals with Lynch syndrome (Senter 2008 PMID: 18602922, Lavoine 2015 PMID: 26318770, Suerink 2015 PMID: 26110232). Additionally, in vitro functional splicing studies have shown that the c.903G>T change causes aberrant splicing that leads to skipping of exon 8 and results in a premature stop codon (van der Klift 2015 PMID: 26247049), suggesting that variants at this position are likely to disrupt RNA splicing. In summary, although additional studies are required to fully establish its clinical significance, this variant meets criteria to be classified as likely pathogenic for autosomal dominant Lynch syndrome. ACMG/AMP Criteria applied: PS4_Supporting, PM2_Supporting, PP3, PM5_Supporting, PS3_Moderate.

Literature cited by the submitters: PubMed 29750335 (cited by Labcorp Genetics (formerly Invitae), Labcorp and Women's Health and Genetics/Laboratory Corporation of America, LabCorp); PubMed 17576681 (cited by Labcorp Genetics (formerly Invitae), Labcorp); PubMed 9536098 (cited by Labcorp Genetics (formerly Invitae), Labcorp); PubMed 18602922 (cited by Labcorp Genetics (formerly Invitae), Labcorp and Laboratory for Molecular Medicine, Mass General Brigham Personalized Medicine); PubMed 26110232 (cited by Labcorp Genetics (formerly Invitae), Labcorp and Laboratory for Molecular Medicine, Mass General Brigham Personalized Medicine); PubMed 32832836 (cited by Women's Health and Genetics/Laboratory Corporation of America, LabCorp); PubMed 26247049 (cited by Laboratory for Molecular Medicine, Mass General Brigham Personalized Medicine); PubMed 26318770 (cited by Laboratory for Molecular Medicine, Mass General Brigham Personalized Medicine).